The following is an entry in ClinVar:

ClinVar aggregate classification (germline): Uncertain significance (1 of 4 stars; one submission).

Allele frequency attached by ClinVar (database versions not stated): gnomAD exomes below 0.00001.
gnomAD v4.1: 2 of 1,605,016 alleles (0.00012%); highest among the groups gnomAD compares: Admixed American, 0.0017%; no homozygotes.

Submission:

Labcorp Genetics (formerly Invitae), Labcorp
Classification: Uncertain significance. Last evaluated: 2022-10-05. Review status: criteria provided, single submitter. Criteria: Invitae Variant Classification Sherloc (09022015). Collection method: clinical testing. Allele origin: germline.
Comment: This sequence change replaces proline, which is neutral and non-polar, with serine, which is neutral and polar, at codon 8 of the NEDD4L protein (p.Pro8Ser). This variant is not present in population databases (gnomAD no frequency). This variant has not been reported in the literature in individuals affected with NEDD4L-related conditions. ClinVar contains an entry for this variant (Variation ID: 1424223). Algorithms developed to predict the effect of missense changes on protein structure and function (SIFT, PolyPhen-2, Align-GVGD) all suggest that this variant is likely to be tolerated. In summary, the available evidence is currently insufficient to determine the role of this variant in disease. Therefore, it has been classified as a Variant of Uncertain Significance.

NM_001144967.3(NEDD4L):c.22C>T (p.Pro8Ser)

Genes: NEDD4L (NEDD4 like E3 ubiquitin protein ligase; plus strand), LOC130062568 (ATAC-STARR-seq lymphoblastoid silent region 9483; plus strand). Cytogenetic location: 18q21.31.
Variant type: single nucleotide variant.
Coding change: c.22C>T on transcript NM_001144967.3 (MANE Select); coding-DNA position 22, C replaced by T.
Protein change: p.Pro8Ser; replaces proline 8 with serine.
Molecular consequence: missense variant.
Genome position (GRCh38, 1-based): chr18:58,044,682, C>T. VCF-style: chr18-58044682-C-T. GRCh37 (hg19) VCF-style: chr18-55711914-C-T.
Other names: c.22C>T, p.Pro8Ser (NM_001243960.2, NM_015277.6); short protein forms P8S.
Identifiers: ClinVar variation 1424223 (VCV001424223.8), dbSNP rs2144325752, ClinGen allele CA402715025.
Genomic context (GRCh38, chr18:58,044,682, plus strand): 5'-GCTGGGAGCGCCTCAGACCCCGCGCGGGGCGCCGGCTCCATGGCGACCGGGCTCGGGGAG[C>T]CGGTCTATGGACTTTCCGAAGACGAGGTGAGTGGCACCCCCTTCCTGCTCGGGACTCCCC-3'
Protein context (NP_001138439.1, residues 1-18): MATGLGE[Pro8Ser]VYGLSEDEGE